The following is an entry in ClinVar:

ClinVar aggregate classification (germline): Likely benign. Review status: criteria provided, multiple submitters, no conflicts (2 of 4 stars). 2 submissions from 2 submitters: Likely benign (2). Last evaluated 2026-02-01.

Conditions:
Combined immunodeficiency due to DOCK8 deficiency (HIES2). Also called: Hyper-IgE recurrent infection syndrome, autosomal recessive; DOCK8 Deficiency; HIES autosomal recessive; HYPER-IgE RECURRENT INFECTION SYNDROME 2, AUTOSOMAL RECESSIVE; HYPER-IgE SYNDROME 2, AUTOSOMAL RECESSIVE, WITH RECURRENT INFECTIONS. Identifiers: Orphanet 217390, MedGen C4722305, MONDO:0009478, OMIM 243700.

Allele frequency attached by ClinVar (database versions not stated): 1000 Genomes Project 30x 0.00047; 1000 Genomes Project 0.00060; ExAC 0.00217; gnomAD exomes 0.00229 and 0.00406; gnomAD 0.00263 and 0.00274; TOPMed 0.00303; ESP Exome Variant Server 0.00323.

Submissions (2):

Labcorp Genetics (formerly Invitae), Labcorp
Classification: Likely benign for Combined immunodeficiency due to DOCK8 deficiency. Last evaluated: 2026-02-01. Review status: criteria provided, single submitter. Criteria: Invitae Variant Classification Sherloc (09022015). Collection method: clinical testing. Allele origin: germline.

GeneDx
Classification: Likely benign. Last evaluated: 2017-11-02. Review status: criteria provided, single submitter. Criteria: GeneDx Variant Classification (06012015). Collection method: clinical testing. Allele origin: germline. Affected: yes.
Comment: This variant is considered likely benign or benign based on one or more of the following criteria: it is a conservative change, it occurs at a poorly conserved position in the protein, it is predicted to be benign by multiple in silico algorithms, and/or has population frequency not consistent with disease.

NM_203447.4(DOCK8):c.4491= (p.Phe1497=)

Gene: DOCK8 (dedicator of cytokinesis 8; plus strand). Cytogenetic location: 9p24.3.
Variant type: single nucleotide variant.
Coding change: c.4491= on transcript NM_203447.4 (MANE Select); coding-DNA position 4491, no change from the reference sequence.
Protein change: p.Phe1497=; no amino-acid change (phenylalanine 1497 retained).
Molecular consequence: no sequence alteration.
Genome position: GRCh38 VCF-style: chr9-429719-T-T. GRCh37 (hg19) VCF-style: chr9-429719-T-T.
Other names: c.4191=, p.Phe1397= (NM_001190458.2); c.4287=, p.Phe1429= (NM_001193536.2).
Identifiers: ClinVar variation 384502 (VCV000384502.12), dbSNP rs7854035.